The following is an entry in ClinVar:

ClinVar aggregate classification (germline): Conflicting classifications of pathogenicity. Review status: criteria provided, conflicting classifications (1 of 4 stars). 3 submissions from 3 submitters: Uncertain significance (2); Likely benign (1). Last evaluated 2022-08-01.

Conditions:
Craniosynostosis syndrome. Also called: Craniosynostosis. Identifiers: Orphanet 1531, MedGen C0010278, MeSH D003398, MONDO:0015469, HP:0001363.
Complex cortical dysplasia with other brain malformations 2. Identifiers: MedGen C3809013, MONDO:0014116, OMIM 615282.

Allele frequency attached by ClinVar (database versions not stated): ExAC 0.00008; TOPMed 0.00010; gnomAD 0.00013.
gnomAD v4.1: 178 of 1,592,128 alleles (0.011%); highest among the groups gnomAD compares: Middle Eastern, 0.017%; no homozygotes.

Submissions (3):

CeGaT Center for Human Genetics Tuebingen
Classification: Uncertain significance. Last evaluated: 2022-08-01. Review status: criteria provided, single submitter. Criteria: CeGaT Center For Human Genetics Tuebingen Variant Classification Criteria Version 2. Collection method: clinical testing. Allele origin: germline. Affected: yes. Observed: 1 variant allele.
Comment: KIF5C: PP3

Department of Pathology and Laboratory Medicine, Sinai Health System
Classification: Uncertain significance for Complex cortical dysplasia with other brain malformations 2. Last evaluated: 2021-07-30. Review status: criteria provided, single submitter. Criteria: ACMG Guidelines, 2015. Collection method: research. Allele origin: germline.

Cambridge Genomics Laboratory, East Genomic Laboratory Hub, NHS Genomic Medicine Service
Classification: Likely benign for Craniosynostosis syndrome. Last evaluated: 2019-04-17. Review status: criteria provided, single submitter. Criteria: ACGS Best Practice Guidelines for Variant Classification in Rare Disease 2020. Collection method: clinical testing. Allele origin: germline. Affected: yes. Observed: 1 variant allele.

NM_004522.3(KIF5C):c.2675G>A (p.Arg892Gln)

Gene: KIF5C (kinesin family member 5C; plus strand). Cytogenetic location: 2q23.2.
Variant type: single nucleotide variant.
Coding change: c.2675G>A on transcript NM_004522.3 (MANE Select); coding-DNA position 2675, G replaced by A.
Protein change: p.Arg892Gln; replaces arginine 892 with glutamine.
Molecular consequence: missense variant. On other transcripts: non-coding transcript variant (1).
Genome position (GRCh38, 1-based): chr2:149,010,259, G>A. VCF-style: chr2-149010259-G-A. GRCh37 (hg19) VCF-style: chr2-149866773-G-A.
Other names: short protein forms R892Q.
Identifiers: ClinVar variation 1711507 (VCV001711507.32), dbSNP rs777411017, ClinGen allele CA1901750.